The following is an entry in ClinVar:

NM_001943.5(DSG2):c.2500A>C (p.Lys834Gln)

Genes: DSG2 (desmoglein 2; plus strand), DSG2-AS1 (DSG2 antisense RNA 1; minus strand). Cytogenetic location: 18q12.1.
Variant type: single nucleotide variant.
Coding change: c.2500A>C on transcript NM_001943.5 (MANE Select); coding-DNA position 2500, A replaced by C.
Protein change: p.Lys834Gln; replaces lysine 834 with glutamine.
Molecular consequence: missense variant. On other transcripts: non-coding transcript variant (1).
Genome position (GRCh38, 1-based): chr18:31,545,886, A>C. VCF-style: chr18-31545886-A-C. GRCh37 (hg19) VCF-style: chr18-29125849-A-C.
Other names: short protein forms K834Q.
Identifiers: ClinVar variation 3615856 (VCV003615856.2).
Genomic context (GRCh38, chr18:31,545,886, plus strand): 5'-TGCAGTTTTATTGAAGGAGAGCTAGATGACCGCTTCTTAGATGATTTGGGACTTAAATTC[A>C]AGACACTAGCTGAAGTTTGCCTGGGTCAAAAAATAGATATAAATAAGGAAATTGAGCAGA-3'
Protein context (NP_001934.2, residues 824-844): RFLDDLGLKF[Lys834Gln]TLAEVCLGQK

ClinVar aggregate classification (germline): Uncertain significance (1 of 4 stars; one submission).

Conditions:
Arrhythmogenic right ventricular dysplasia 10. Also called: Arrhythmogenic Right Ventricular Dysplasia/Cardiomyopathy10; ARRHYTHMOGENIC RIGHT VENTRICULAR DYSPLASIA, FAMILIAL, 10; Arrhythmogenic right ventricular dysplasia/cardiomyopathy, type 10. Identifiers: MedGen C1857777, MONDO:0012434, OMIM 610193.

Submission:

Labcorp Genetics (formerly Invitae), Labcorp
Classification: Uncertain significance for Arrhythmogenic right ventricular dysplasia 10. Last evaluated: 2024-07-30. Review status: criteria provided, single submitter. Criteria: Invitae Variant Classification Sherloc (09022015). Collection method: clinical testing. Allele origin: germline.
Comment: This sequence change replaces lysine, which is basic and polar, with glutamine, which is neutral and polar, at codon 834 of the DSG2 protein (p.Lys834Gln). This variant is not present in population databases (gnomAD no frequency). This variant has not been reported in the literature in individuals affected with DSG2-related conditions. Advanced modeling of protein sequence and biophysical properties (such as structural, functional, and spatial information, amino acid conservation, physicochemical variation, residue mobility, and thermodynamic stability) performed at Invitae indicates that this missense variant is not expected to disrupt DSG2 protein function with a negative predictive value of 95%. In summary, the available evidence is currently insufficient to determine the role of this variant in disease. Therefore, it has been classified as a Variant of Uncertain Significance.